The following is an entry in ClinVar:

ClinVar aggregate classification (germline): Likely benign (1 of 4 stars; one submission).

gnomAD v4.1: 57 of 1,613,676 alleles (0.0035%); highest among the groups gnomAD compares: Middle Eastern, 0.033%; no homozygotes.

Submission:

CeGaT Center for Human Genetics Tuebingen
Classification: Likely benign. Last evaluated: 2024-09-01. Review status: criteria provided, single submitter. Criteria: CeGaT Center For Human Genetics Tuebingen Variant Classification Criteria Version 2. Collection method: clinical testing. Allele origin: germline. Affected: yes. Observed: 1 variant allele.
Comment: DYNC1H1: BP4, BP7

NM_001376.5(DYNC1H1):c.13812+45C>T

Gene: DYNC1H1 (dynein cytoplasmic 1 heavy chain 1; plus strand). Cytogenetic location: 14q32.31.
Variant type: single nucleotide variant.
Coding change: c.13812+45C>T on transcript NM_001376.5 (MANE Select); 45 bases into the intron after coding-DNA position 13812, C replaced by T.
Molecular consequence: intron variant.
Genome position (GRCh38, 1-based): chr14:102,050,243, C>T. VCF-style: chr14-102050243-C-T. GRCh37 (hg19) VCF-style: chr14-102516580-C-T.
Identifiers: ClinVar variation 3389402 (VCV003389402.14).
Genomic context (GRCh38, chr14:102,050,243, plus strand): 5'-GAAGAAGGCCAGTGTGGTAAGGAGGCACTGCCTTTCCCAGGCATTCTGCAGGGACCCCTG[C>T]GGTAACAAGGGCAGAGGCGGCTCCTCTTCTATGCCTGGGTTCCACTTGGAACGGGAAATG-3'